The following is an entry in ClinVar:

NM_001961.4(EEF2):c.1724C>T (p.Pro575Leu)

Gene: EEF2 (eukaryotic translation elongation factor 2; minus strand). Cytogenetic location: 19p13.3.
Variant type: single nucleotide variant.
Coding change: c.1724C>T on transcript NM_001961.4 (MANE Select); coding-DNA position 1724, C replaced by T.
Protein change: p.Pro575Leu; replaces proline 575 with leucine.
Molecular consequence: missense variant.
Genome position (GRCh38, 1-based): chr19:3,978,162, G>A on the plus strand (C>T on the coding strand, the complement: EEF2 is on the minus strand). VCF-style: chr19-3978162-G-A. GRCh37 (hg19) VCF-style: chr19-3978160-G-A.
Other names: short protein forms P575L.
Identifiers: ClinVar variation 3368013 (VCV003368013.2).

ClinVar aggregate classification (germline): Uncertain significance. Review status: criteria provided, multiple submitters, no conflicts (2 of 4 stars). 2 submissions from 2 submitters: Uncertain significance (2). Last evaluated 2024-01-16.

Submissions (2):

GeneDx
Classification: Uncertain significance. Last evaluated: 2024-01-16. Review status: criteria provided, single submitter. Criteria: GeneDx Variant Classification Process June 2021. Collection method: clinical testing. Allele origin: germline. Affected: yes.
Comment: Not observed at significant frequency in large population cohorts (gnomAD); In silico analysis supports that this missense variant has a deleterious effect on protein structure/function; Has not been previously published as pathogenic or benign to our knowledge

Blueprint Genetics
Classification: Uncertain significance. Last evaluated: 2021-05-24. Review status: criteria provided, single submitter. Criteria: ACMG Guidelines, 2015. Collection method: clinical testing. Allele origin: germline.